The following is an entry in ClinVar:

ClinVar aggregate classification (germline): Pathogenic (1 of 4 stars; one submission).

Conditions:
Cardiovascular phenotype. Identifiers: MedGen CN230736.
Hereditary cancer-predisposing syndrome. Also called: Tumor predisposition; Neoplastic Syndromes, Hereditary; Hereditary Cancer Syndrome; Hereditary neoplastic syndrome. Identifiers: Orphanet 140162, MedGen C0027672, MeSH D009386, MONDO:0015356.

Submission:

Ambry Genetics
Classification: Pathogenic for Cardiovascular phenotype; Hereditary cancer-predisposing syndrome. Last evaluated: 2018-05-17. Review status: criteria provided, single submitter. Criteria: Ambry Variant Classification Scheme 2023. Collection method: clinical testing. Allele origin: germline.
Comment: The c.3183_3189delAAAATGT pathogenic mutation, located in coding exon 24 of the NF1 gene, results from a deletion of 7 nucleotides at nucleotide positions 3183 to 3189, causing a translational frameshift with a predicted alternate stop codon (p.K1062Lfs*13). This alteration is expected to result in loss of function by premature protein truncation or nonsense-mediated mRNA decay. As such, this alteration is interpreted as a disease-causing mutation.

NM_001042492.3(NF1):c.3183_3189del (p.Lys1062fs)

Gene: NF1 (neurofibromin 1; plus strand). Cytogenetic location: 17q11.2.
Variant type: Deletion.
Coding change: c.3183_3189del on transcript NM_001042492.3 (MANE Select); coding-DNA positions 3183 to 3189, 7 bases deleted (AAAATGT; older notation c.3183_3189delAAAATGT).
Protein change: p.Lys1062fs; shifts the reading frame from lysine 1062.
Molecular consequence: frameshift variant.
Genome position (GRCh38, 1-based): chr17:31,230,911-31,230,917, AAAATGT deleted; deleting any 7 consecutive bases within chr17:31,230,907-31,230,917 gives the same sequence; the c. name uses the placement nearest the transcript's 3' end. VCF-style (leftmost placement, unchanged base first): chr17-31230906-GATGTAAA-G. GRCh37 (hg19) VCF-style: chr17-29557924-GATGTAAA-G.
Other names: c.3183_3189delAAAATGT (NM_000267.3); c.3183_3189delAAAATGT, p.Lys1062Leufs (NM_000267.4); short protein forms K1062fs.
Identifiers: ClinVar variation 1728560 (VCV001728560.2), dbSNP rs2508213627, ClinGen allele CA2580092890.
Genomic context (GRCh38, chr17:31,230,906, plus strand): 5'-AAGATGGTAGAATACCTGACAGACTGGGTTATGGGAACATCAAACCAAGCAGCAGATGAT[GATGTAAA>G]ATGTCTTACAAGGTAAAAAAAGAATGACCTTCAAGTATTAGTGGGTTTTACTGTGAGAGT-3'